The following is an entry in ClinVar:

NM_002693.3(POLG):c.2596C>T (p.Arg866Trp)

Gene: POLG (DNA polymerase gamma, catalytic subunit; minus strand). Cytogenetic location: 15q26.1.
Variant type: single nucleotide variant.
Coding change: c.2596C>T on transcript NM_002693.3 (MANE Select); coding-DNA position 2596, C replaced by T.
Protein change: p.Arg866Trp; replaces arginine 866 with tryptophan.
Molecular consequence: missense variant.
Genome position (GRCh38, 1-based): chr15:89,321,738, G>A on the plus strand (C>T on the coding strand, the complement: POLG is on the minus strand). VCF-style: chr15-89321738-G-A. GRCh37 (hg19) VCF-style: chr15-89864969-G-A.
Other names: c.2596C>T, p.Arg866Trp (NM_001126131.2); short protein forms R866W.
Identifiers: ClinVar variation 502515 (VCV000502515.21), dbSNP rs748777396, ClinGen allele CA7724418.

ClinVar aggregate classification (germline): Uncertain significance. Review status: criteria provided, multiple submitters, no conflicts (2 of 4 stars). 8 submissions from 8 submitters: Uncertain significance (8). Last evaluated 2025-11-18.

Conditions:
Inborn genetic diseases. Identifiers: MedGen C0950123, MeSH D030342.
Progressive sclerosing poliodystrophy (MTDPS4A). Also called: ALPERS PROGRESSIVE INFANTILE POLIODYSTROPHY; NEURONAL DEGENERATION OF CHILDHOOD WITH LIVER DISEASE, PROGRESSIVE; Alpers-Huttenlocher Syndrome; Alpers Syndrome; ALPERS DIFFUSE DEGENERATION OF CEREBRAL GRAY MATTER WITH HEPATIC CIRRHOSIS; Mitochondrial DNA depletion syndrome 4A (Alpers type). Identifiers: Orphanet 726, MedGen C0205710, MONDO:0008758, OMIM 203700.

Allele frequency attached by ClinVar (database versions not stated): ExAC 0.00002; gnomAD exomes 0.00002 and 0.00003; TOPMed 0.00002; gnomAD 0.00003.
gnomAD v4.1: 41 of 1,608,114 alleles (0.0025%); highest among the groups gnomAD compares: East Asian, 0.0045%; no homozygotes.

Submissions (8):

Labcorp Genetics (formerly Invitae), Labcorp
Classification: Uncertain significance for Progressive sclerosing poliodystrophy. Last evaluated: 2025-11-18. Review status: criteria provided, single submitter. Criteria: Invitae Variant Classification Sherloc (09022015). Collection method: clinical testing. Allele origin: germline.
Comment: This sequence change replaces arginine, which is basic and polar, with tryptophan, which is neutral and slightly polar, at codon 866 of the POLG protein (p.Arg866Trp). This variant is present in population databases (rs748777396, gnomAD 0.007%). This missense change has been observed in individual(s) with Parkinson’s disease (PMID: 32613234). ClinVar contains an entry for this variant (Variation ID: 502515). An algorithm developed to predict the effect of missense changes on protein structure and function (PolyPhen-2) suggests that this variant is likely to be disruptive. In summary, the available evidence is currently insufficient to determine the role of this variant in disease. Therefore, it has been classified as a Variant of Uncertain Significance.

Women's Health and Genetics/Laboratory Corporation of America, LabCorp
Classification: Uncertain significance. Last evaluated: 2025-05-08. Review status: criteria provided, single submitter. Criteria: LabCorp Variant Classification Summary - May 2015. Collection method: clinical testing. Allele origin: germline.
Comment: Variant summary: POLG c.2596C>T (p.Arg866Trp) results in a non-conservative amino acid change in the encoded protein sequence. Algorithms developed to predict the effect of missense changes on protein structure and function all suggest that this variant is likely to be disruptive. Consensus agreement among computation tools predict no significant impact on normal splicing. However, these predictions have yet to be confirmed by functional studies. The variant allele was found at a frequency of 1.6e-05 in 251350 control chromosomes (gnomAD). c.2596C>T has been observed in individuals affected with bipolar disorder or Parkinsons disease (Kasahara_2017, Zhao_2020). These report(s) do not provide unequivocal conclusions about association of the variant with POLG-Related Spectrum Disorders. At least one publication reports experimental evidence evaluating an impact on protein function and this variant affected the POLG protein function (Kasahara_2017). The following publications have been ascertained in the context of this evaluation (PMID: 27987238, 32613234). ClinVar contains an entry for this variant (Variation ID: 502515). Based on the evidence outlined above, the variant was classified as VUS-possibly pathogenic.

GeneDx
Classification: Uncertain significance. Last evaluated: 2024-12-05. Review status: criteria provided, single submitter. Criteria: GeneDx Variant Classification Process June 2021. Collection method: clinical testing. Allele origin: germline. Affected: yes.
Comment: Observed in multiple Japanese patients with bipolar disorder, but also observed in unaffected controls in published literature (PMID: 27987238); In silico analysis supports that this missense variant has a deleterious effect on protein structure/function; Published functional studies demonstrate a damaging effect (PMID: 27987238); This variant is associated with the following publications: (PMID: 27987238, 32613234)

Blueprint Genetics
Classification: Uncertain significance. Last evaluated: 2023-09-23. Review status: criteria provided, single submitter. Criteria: ACMG Guidelines, 2015. Collection method: clinical testing. Allele origin: germline.

Athena Diagnostics
Classification: Uncertain significance. Last evaluated: 2023-05-19. Review status: criteria provided, single submitter. Criteria: Athena Diagnostics Criteria. Collection method: clinical testing. Allele origin: unknown.
Comment: Available data are insufficient to determine the clinical significance of the variant at this time. The frequency of this variant in the general population is uninformative in assessment of its pathogenicity. Computational tools predict that this variant is damaging.

Mayo Clinic Laboratories, Mayo Clinic
Classification: Uncertain significance. Last evaluated: 2020-01-17. Review status: criteria provided, single submitter. Criteria: ACMG Guidelines, 2015. Collection method: clinical testing. Allele origin: germline. Observed: 1 variant allele.

Ambry Genetics
Classification: Uncertain significance for Inborn genetic diseases. Last evaluated: 2018-04-23. Review status: criteria provided, single submitter. Criteria: Ambry Variant Classification Scheme 2023. Collection method: clinical testing. Allele origin: germline.
Comment: The p.R866W variant (also known as c.2596C>T), located in coding exon 15 of the POLG gene, results from a C to T substitution at nucleotide position 2596. The arginine at codon 866 is replaced by tryptophan, an amino acid with dissimilar properties. In one study, this alteration was detected in 2/796 Japanese individuals with bipolar disorder and in 1/767 controls (Kasahara T et al. Psychiatry Clin. Neurosci., 2017 Aug;71:518-529). This amino acid position is highly conserved in available vertebrate species. In addition, this alteration is predicted to be deleterious by in silico analysis. Since supporting evidence is limited at this time, the clinical significance of this alteration remains unclear.

Eurofins Ntd Llc (ga)
Classification: Uncertain significance. Last evaluated: 2017-06-08. Review status: criteria provided, single submitter. Criteria: EGL Classification Definitions 2015. Collection method: clinical testing. Allele origin: germline. Observed: 1 variant allele, 1 heterozygote.

Literature cited by the submitters: PubMed 32613234 (cited by 3 submitters); PubMed 27987238 (cited by 3 submitters).